The following is an entry in ClinVar:

NM_020778.5(ALPK3):c.277G>A (p.Asp93Asn)

Gene: ALPK3 (alpha kinase 3; plus strand). Cytogenetic location: 15q25.3.
Variant type: single nucleotide variant.
Coding change: c.277G>A on transcript NM_020778.5 (MANE Select); coding-DNA position 277, G replaced by A.
Protein change: p.Asp93Asn; replaces aspartic acid 93 with asparagine.
Molecular consequence: missense variant.
Genome position (GRCh38, 1-based): chr15:84,827,578, G>A. VCF-style: chr15-84827578-G-A. GRCh37 (hg19) VCF-style: chr15-85370809-G-A.
Other names: short protein forms D93N.
Identifiers: ClinVar variation 1805949 (VCV001805949.8), dbSNP rs1404632588, ClinGen allele CA393371086.

ClinVar aggregate classification (germline): Uncertain significance. Review status: criteria provided, multiple submitters, no conflicts (2 of 4 stars). 4 submissions from 4 submitters: Uncertain significance (4). Last evaluated 2023-08-17.

Conditions:
Cardiovascular phenotype. Identifiers: MedGen CN230736.
Cardiomyopathy, familial hypertrophic 27. Identifiers: MedGen C4748014, MONDO:0054838, OMIM 618052.

Allele frequency attached by ClinVar (database versions not stated): gnomAD exomes 0.00001; TOPMed 0.00001; gnomAD 0.00002.

Submissions (4):

Labcorp Genetics (formerly Invitae), Labcorp
Classification: Uncertain significance. Last evaluated: 2023-08-17. Review status: criteria provided, single submitter. Criteria: Invitae Variant Classification Sherloc (09022015). Collection method: clinical testing. Allele origin: germline.
Comment: In summary, the available evidence is currently insufficient to determine the role of this variant in disease. Therefore, it has been classified as a Variant of Uncertain Significance. An algorithm developed to predict the effect of missense changes on protein structure and function (PolyPhen-2) suggests that this variant is likely to be disruptive. ClinVar contains an entry for this variant (Variation ID: 1805949). This variant has not been reported in the literature in individuals affected with ALPK3-related conditions. The frequency data for this variant in the population databases is considered unreliable, as metrics indicate poor data quality at this position in the gnomAD database. This sequence change replaces aspartic acid, which is acidic and polar, with asparagine, which is neutral and polar, at codon 295 of the ALPK3 protein (p.Asp295Asn).

Ambry Genetics
Classification: Uncertain significance for Cardiovascular phenotype. Last evaluated: 2022-11-22. Review status: criteria provided, single submitter. Criteria: Ambry Variant Classification Scheme 2023. Collection method: clinical testing. Allele origin: germline.
Comment: The p.D295N variant (also known as c.883G>A), located in coding exon 3 of the ALPK3 gene, results from a G to A substitution at nucleotide position 883. The aspartic acid at codon 295 is replaced by asparagine, an amino acid with highly similar properties. This amino acid position is not well conserved in available vertebrate species. In addition, this alteration is predicted to be tolerated by in silico analysis. Since supporting evidence is limited at this time, the clinical significance of this alteration remains unclear.

Blueprint Genetics
Classification: Uncertain significance. Last evaluated: 2021-01-21. Review status: criteria provided, single submitter. Criteria: ACMG Guidelines, 2015. Collection method: clinical testing. Allele origin: germline.

Victorian Clinical Genetics Services, Murdoch Childrens Research Institute
Classification: Uncertain significance for Cardiomyopathy, familial hypertrophic 27. Last evaluated: 2020-05-26. Review status: criteria provided, single submitter. Criteria: ACMG Guidelines, 2015. Collection method: clinical testing. Allele origin: germline. Inheritance: Autosomal recessive inheritance.
Comment: Based on the classification scheme VCGS_Germline_v1.1.1, this variant is classified as 3B-VUS. Following criteria are met: 0102 - Loss-of-function is a known mechanism of disease for this gene. (N) 0106 - This gene is known to be associated with autosomal recessive disease. (N) 0200 - Variant is predicted to result in a missense amino acid change from aspartic acid to asparagine (exon 3). (N) 0251 - Variant is heterozygous. (N) 0304 - Variant is present in gnomAD <0.01 for a recessive condition (3 heterozygotes, 0 homozygotes). (P) 0502 - Missense variant with conflicting in silico predictions and/or uninformative conservation. (N) 0600 - Variant is located in an annotated domain or motif (Immunoglobulin I-set domain; NCBI, PDB). (N) 0705 - No comparable variants have previous evidence for pathogenicity. (N) 0807 - Variant has not previously been reported in a clinical context. (N) 0905 - No segregation evidence has been identified for this variant. (N) 1007 - No published functional evidence has been identified for this variant. (N) 1208 - Inheritance information for this variant is not currently available. (N) Legend: (P) - Pathogenic, (N) - Neutral, (B) - Benign